The following is an entry in ClinVar:

NM_000815.5(GABRD):c.819G>C (p.Gln273His)

Gene: GABRD (gamma-aminobutyric acid type A receptor subunit delta; plus strand). Cytogenetic location: 1p36.33.
Variant type: single nucleotide variant.
Coding change: c.819G>C on transcript NM_000815.5 (MANE Select); coding-DNA position 819, G replaced by C.
Protein change: p.Gln273His; replaces glutamine 273 with histidine.
Molecular consequence: missense variant.
Genome position (GRCh38, 1-based): chr1:2,029,238, G>C. VCF-style: chr1-2029238-G-C. GRCh37 (hg19) VCF-style: chr1-1960677-G-C.
Other names: short protein forms Q273H.
Identifiers: ClinVar variation 1004443 (VCV001004443.10), dbSNP rs1659015905, ClinGen allele CA337959374.
Genomic context (GRCh38, chr1:2,029,238, plus strand): 5'-ATCCTACATGCCCTCCGTCCTGCTGGTCGCCATGTCCTGGGTCTCCTTCTGGATCAGCCA[G>C]GCGGCGGTGCCCGCCAGGGTGTCTCTAGGTACGGGGCCTCGCCGCTGCTCCGAGGGAGCT-3'
Protein context (NP_000806.2, residues 263-283): AMSWVSFWIS[Gln273His]AAVPARVSLG

ClinVar aggregate classification (germline): Uncertain significance (1 of 4 stars; one submission).

Conditions:
Idiopathic generalized epilepsy. Also called: Generalised epilepsy; EIG. Identifiers: MedGen C0270850, MONDO:0005579, OMIM 600669.

Submission:

Labcorp Genetics (formerly Invitae), Labcorp
Classification: Uncertain significance for Idiopathic generalized epilepsy. Last evaluated: 2022-06-27. Review status: criteria provided, single submitter. Criteria: Invitae Variant Classification Sherloc (09022015). Collection method: clinical testing. Allele origin: germline.
Comment: This variant has not been reported in the literature in individuals affected with GABRD-related conditions. ClinVar contains an entry for this variant (Variation ID: 1004443). Algorithms developed to predict the effect of missense changes on protein structure and function are either unavailable or do not agree on the potential impact of this missense change (SIFT: "Tolerated"; PolyPhen-2: "Probably Damaging"; Align-GVGD: "Class C0"). In summary, the available evidence is currently insufficient to determine the role of this variant in disease. Therefore, it has been classified as a Variant of Uncertain Significance. This sequence change replaces glutamine, which is neutral and polar, with histidine, which is basic and polar, at codon 273 of the GABRD protein (p.Gln273His). This variant is not present in population databases (gnomAD no frequency).